The following is an entry in ClinVar:

NM_002180.3(IGHMBP2):c.2606_2611dup (p.Ala869_Lys870dup)

Gene: IGHMBP2 (immunoglobulin mu DNA binding protein 2; plus strand). Cytogenetic location: 11q13.3.
Variant type: Duplication.
Coding change: c.2606_2611dup on transcript NM_002180.3 (MANE Select); coding-DNA positions 2606 to 2611, 6 bases duplicated (CCAAAG; older notation c.2606_2611dupCCAAAG).
Protein change: p.Ala869_Lys870dup.
Molecular consequence: inframe insertion.
Genome position (GRCh38, 1-based): chr11:68,937,086-68,937,091, CCAAAG duplicated; duplicating any 6 consecutive bases within chr11:68,937,082-68,937,091 gives the same sequence; the c. name uses the placement nearest the transcript's 3' end. VCF-style (leftmost placement, unchanged base first): chr11-68937081-A-AAAAGCC. GRCh37 (hg19) VCF-style: chr11-68704549-A-AAAAGCC.
Identifiers: ClinVar variation 1512618 (VCV001512618.6), dbSNP rs2154008959, ClinGen allele CA2573147554.

ClinVar aggregate classification (germline): Uncertain significance (1 of 4 stars; one submission).

Conditions:
Autosomal recessive distal spinal muscular atrophy 1. Also called: NEURONOPATHY, DISTAL HEREDITARY MOTOR, HARDING TYPE VI; NEUROPATHY, DISTAL HEREDITARY MOTOR, AUTOSOMAL RECESSIVE 1; HMN VI; Spinal muscular atrophy with respiratory distress 1; NEURONOPATHY, SEVERE INFANTILE AXONAL, WITH RESPIRATORY FAILURE; SEVERE INFANTILE AXONAL NEUROPATHY WITH RESPIRATORY FAILURE. Identifiers: Orphanet 98920, MedGen C1858517, MONDO:0011436, OMIM 604320.
Charcot-Marie-Tooth disease axonal type 2S. Also called: CHARCOT-MARIE-TOOTH NEUROPATHY, TYPE 2S; CHARCOT-MARIE-TOOTH DISEASE, AXONAL, AUTOSOMAL RECESSIVE, TYPE 2S. Identifiers: Orphanet 443073, MedGen C4015349, MONDO:0014511, OMIM 616155.

Submission:

Labcorp Genetics (formerly Invitae), Labcorp
Classification: Uncertain significance for Autosomal recessive distal spinal muscular atrophy 1; Charcot-Marie-Tooth disease axonal type 2S. Last evaluated: 2021-08-14. Review status: criteria provided, single submitter. Criteria: Invitae Variant Classification Sherloc (09022015). Collection method: clinical testing. Allele origin: germline.
Comment: Algorithms developed to predict the effect of sequence changes on RNA splicing suggest that this variant may create or strengthen a splice site. This variant, c.2606_2611dup, results in the insertion of 2 amino acid(s) to the IGHMBP2 protein (p.Ala869_Lys870dup), but otherwise preserves the integrity of the reading frame. This variant is not present in population databases (ExAC no frequency). This variant has not been reported in the literature in individuals affected with IGHMBP2-related conditions. In summary, the available evidence is currently insufficient to determine the role of this variant in disease. Therefore, it has been classified as a Variant of Uncertain Significance.